The following is an entry in ClinVar:

ClinVar aggregate classification (germline): Likely benign (1 of 4 stars; one submission).

Conditions:
DCDC2-related disorder. Also called: DCDC2-related condition.

gnomAD v4.1: 15 of 1,613,934 alleles (0.00093%); highest among the groups gnomAD compares: African/African-American, 0.012%; no homozygotes.

Submission:

PreventionGenetics, part of Exact Sciences
Classification: Likely benign for DCDC2-related condition. Last evaluated: 2026-09-23. Review status: criteria provided, single submitter. Criteria: ACMG Guidelines, 2015. Collection method: clinical testing. Allele origin: germline.
Comment: This variant is classified as likely benign based on ACMG/AMP sequence variant interpretation guidelines (Richards et al. 2015 PMID: 25741868, with internal and published modifications).

NM_016356.5(DCDC2):c.1164C>G (p.Val388=)

Gene: DCDC2 (doublecortin domain containing 2; minus strand). Cytogenetic location: 6p22.3.
Variant type: single nucleotide variant.
Coding change: c.1164C>G on transcript NM_016356.5 (MANE Select); coding-DNA position 1164, C replaced by G.
Protein change: p.Val388=; no amino-acid change (valine 388 retained).
Molecular consequence: synonymous variant.
Genome position (GRCh38, 1-based): chr6:24,178,492, G>C on the plus strand (C>G on the coding strand, the complement: DCDC2 is on the minus strand). VCF-style: chr6-24178492-G-C. GRCh37 (hg19) VCF-style: chr6-24178720-G-C.
Other names: c.1164C>G, p.Val388= (NM_001195610.2).
Identifiers: ClinVar variation 4981175 (VCV004981175.1).